The following is an entry in ClinVar:

ClinVar aggregate classification (germline): Likely benign. Review status: criteria provided, multiple submitters, no conflicts (2 of 4 stars). 2 submissions from 2 submitters: Likely benign (2). Last evaluated 2026-05-01.

Conditions:
Inborn genetic diseases. Identifiers: MedGen C0950123, MeSH D030342.

gnomAD v4.1: 2 of 1,513,694 alleles (0.00013%); highest among the groups gnomAD compares: South Asian, 0.0012%; no homozygotes.

Submissions (2):

CeGaT Center for Human Genetics Tuebingen
Classification: Likely benign. Last evaluated: 2026-05-01. Review status: criteria provided, single submitter. Criteria: CeGaT Center For Human Genetics Tuebingen Variant Classification Criteria Version 2. Collection method: clinical testing. Allele origin: germline. Affected: yes. Observed: 1 variant allele.
Comment: RTTN: BP4, BP7

Ambry Genetics
Classification: Likely benign for Inborn genetic diseases. Last evaluated: 2025-09-22. Review status: criteria provided, single submitter. Criteria: Ambry Variant Classification Scheme 2023. Collection method: clinical testing. Allele origin: germline.

NM_173630.4(RTTN):c.2482T>C (p.Leu828=)

Gene: RTTN (rotatin; minus strand). Cytogenetic location: 18q22.2.
Variant type: single nucleotide variant.
Coding change: c.2482T>C on transcript NM_173630.4 (MANE Select); coding-DNA position 2482, T replaced by C.
Protein change: p.Leu828=; no amino-acid change (leucine 828 retained).
Molecular consequence: synonymous variant. On other transcripts: 5 prime UTR variant (1).
Genome position (GRCh38, 1-based): chr18:70,142,387, A>G on the plus strand (T>C on the coding strand, the complement: RTTN is on the minus strand). VCF-style: chr18-70142387-A-G. GRCh37 (hg19) VCF-style: chr18-67809623-A-G.
Other names: c.-166T>C (NM_001318520.2).
Identifiers: ClinVar variation 4629673 (VCV004629673.3).